The following is an entry in ClinVar:

NM_021098.3(CACNA1H):c.2627C>T (p.Ala876Val)

Gene: CACNA1H (calcium voltage-gated channel subunit alpha1 H; plus strand). Cytogenetic location: 16p13.3.
Variant type: single nucleotide variant.
Coding change: c.2627C>T on transcript NM_021098.3 (MANE Select); coding-DNA position 2627, C replaced by T.
Protein change: p.Ala876Val; replaces alanine 876 with valine.
Molecular consequence: missense variant.
Genome position (GRCh38, 1-based): chr16:1,206,127, C>T. VCF-style: chr16-1206127-C-T. GRCh37 (hg19) VCF-style: chr16-1256127-C-T.
Other names: c.2627C>T, p.Ala876Val (NM_001005407.2); short protein forms A876V.
Identifiers: ClinVar variation 574844 (VCV000574844.9), dbSNP rs770827490, ClinGen allele CA7800390.

ClinVar aggregate classification (germline): Uncertain significance. Review status: criteria provided, multiple submitters, no conflicts (2 of 4 stars). 2 submissions from 2 submitters: Uncertain significance (2). Last evaluated 2025-03-11.

Conditions:
Hyperaldosteronism, familial, type IV (HALD4). Also called: FH IV; ALDOSTERONISM, PRIMARY, AND HYPERTENSION. Identifiers: Orphanet 642671, MedGen C4310756, MONDO:0014875, OMIM 617027.
Idiopathic generalized epilepsy. Also called: Generalised epilepsy; EIG. Identifiers: MedGen C0270850, MONDO:0005579, OMIM 600669.
Epilepsy, childhood absence, susceptibility to, 6. Identifiers: Orphanet 64280, MedGen C2749872, MONDO:0012763, OMIM 611942.

Allele frequency attached by ClinVar (database versions not stated): gnomAD 0.00001; gnomAD exomes 0.00001; TOPMed 0.00002; ExAC 0.00003.
gnomAD v4.1: 9 of 1,583,424 alleles (0.00057%); highest among the groups gnomAD compares: South Asian, 0.0046%; no homozygotes.

Submissions (2):

Labcorp Genetics (formerly Invitae), Labcorp
Classification: Uncertain significance for Idiopathic generalized epilepsy; Hyperaldosteronism, familial, type IV. Last evaluated: 2025-03-11. Review status: criteria provided, single submitter. Criteria: Invitae Variant Classification Sherloc (09022015). Collection method: clinical testing. Allele origin: germline.
Comment: This sequence change replaces alanine, which is neutral and non-polar, with valine, which is neutral and non-polar, at codon 876 of the CACNA1H protein (p.Ala876Val). The frequency data for this variant in the population databases is considered unreliable, as metrics indicate poor data quality at this position in the gnomAD database. This variant has not been reported in the literature in individuals affected with CACNA1H-related conditions. ClinVar contains an entry for this variant (Variation ID: 574844). Invitae Evidence Modeling of protein sequence and biophysical properties (such as structural, functional, and spatial information, amino acid conservation, physicochemical variation, residue mobility, and thermodynamic stability) indicates that this missense variant is not expected to disrupt CACNA1H protein function with a negative predictive value of 80%. In summary, the available evidence is currently insufficient to determine the role of this variant in disease. Therefore, it has been classified as a Variant of Uncertain Significance.

Fulgent Genetics
Classification: Uncertain significance for Epilepsy, childhood absence, susceptibility to, 6; Hyperaldosteronism, familial, type IV. Last evaluated: 2024-01-15. Review status: criteria provided, single submitter. Criteria: ACMG Guidelines, 2015. Collection method: clinical testing. Allele origin: germline.